The following is an entry in ClinVar:

NM_000038.6(APC):c.2884_2886del (p.Asp962del)

Gene: APC (APC regulator of Wnt signaling pathway; plus strand). Cytogenetic location: 5q22.2.
Variant type: Deletion.
Coding change: c.2884_2886del on transcript NM_000038.6 (MANE Select); coding-DNA positions 2884 to 2886, 3 bases deleted (GAT; older notation c.2884_2886delGAT).
Protein change: p.Asp962del; deletes aspartic acid 962.
Molecular consequence: inframe deletion. On other transcripts: non-coding transcript variant (2).
Genome position (GRCh38, 1-based): chr5:112,838,478-112,838,480, GAT deleted; deleting any 3 consecutive bases within chr5:112,838,476-112,838,480 gives the same sequence; the c. name uses the placement nearest the transcript's 3' end. VCF-style (leftmost placement, unchanged base first): chr5-112838475-AATG-A. GRCh37 (hg19) VCF-style: chr5-112174172-AATG-A.
Other names: c.2938_2940del, p.Asp980del (NM_001354896.2, NM_001407447.1, NM_001407448.1 and 1 more transcripts); c.2914_2916del, p.Asp972del (NM_001354897.2); c.2809_2811del, p.Asp937del (NM_001354898.2); c.2800_2802del, p.Asp934del (NM_001354899.2); c.2761_2763del, p.Asp921del (NM_001354900.2); c.2707_2709del, p.Asp903del (NM_001354901.2, NM_001407453.1); c.2611_2613del, p.Asp871del (NM_001354902.2); c.2581_2583del, p.Asp861del (NM_001354903.2, NM_001407458.1, NM_001407459.1 and 1 more transcripts); and 11 more; short protein forms D578del, D679del, D802del, D833del, D836del, D861del, D871del, D879del.
Identifiers: ClinVar variation 4860842 (VCV004860842.1).

ClinVar aggregate classification (germline): Uncertain significance (1 of 4 stars; one submission).

Conditions:
Hereditary cancer-predisposing syndrome. Also called: Neoplastic Syndromes, Hereditary; Tumor predisposition; Hereditary Cancer Syndrome; Hereditary neoplastic syndrome. Identifiers: Orphanet 140162, MedGen C0027672, MeSH D009386, MONDO:0015356.

Submission:

Ambry Genetics
Classification: Uncertain significance for Hereditary cancer-predisposing syndrome. Last evaluated: 2026-03-17. Review status: criteria provided, single submitter. Criteria: Ambry Variant Classification Scheme 2023. Collection method: clinical testing. Allele origin: germline.
Comment: The c.2884_2886delGAT variant (also known as p.D962del) is located in coding exon 15 of the APC gene. This variant results from an in-frame GAT deletion at nucleotide positions 2884 to 2886. This results in the in-frame deletion of an aspartic acid at codon 962. This amino acid position is highly conserved in available vertebrate species. In addition, this variant is predicted to be deleterious by in silico analysis (Choi Y et al. PLoS ONE. 2012; 7(10):e46688). Based on the available evidence, the clinical significance of this variant remains unclear.